The following is an entry in ClinVar:

ClinVar aggregate classification (germline): Pathogenic/Likely pathogenic. Review status: criteria provided, multiple submitters, no conflicts (2 of 4 stars). 2 submissions from 2 submitters: Pathogenic (1); Likely pathogenic (1). Last evaluated 2022-05-22.

Conditions:
Autosomal recessive Alport syndrome (ATS2). Also called: ALPORT SYNDROME 2, AUTOSOMAL RECESSIVE; Alport syndrome type 2; COL4A4 Alport Syndrome and Thin Basement Membrane Nephropathy; COL4A3-Related Nephropathy. Identifiers: Orphanet 63, Orphanet 88919, MedGen C4746745, MONDO:0008762, OMIM 203780.

Submissions (2):

3billion
Classification: Likely pathogenic for Autosomal recessive Alport syndrome. Last evaluated: 2022-05-22. Review status: criteria provided, single submitter. Criteria: ACMG Guidelines, 2015. Collection method: clinical testing. Allele origin: germline. Affected: yes. Observed: 1 heterozygote.
Comment: The variant is not observed in the gnomAD v2.1.1 dataset. Stop-gained (nonsense): predicted to result in a loss or disruption of normal protein function through nonsense-mediated decay (NMD) or protein truncation. Multiple pathogenic variants are reported downstream of the variant. Therefore, this variant is classified as likely pathogenic according to the recommendation of ACMG/AMP guideline.

Labcorp Genetics (formerly Invitae), Labcorp
Classification: Pathogenic. Last evaluated: 2022-04-05. Review status: criteria provided, single submitter. Criteria: Invitae Variant Classification Sherloc (09022015). Collection method: clinical testing. Allele origin: germline.
Comment: For these reasons, this variant has been classified as Pathogenic. This variant has not been reported in the literature in individuals affected with COL4A4-related conditions. This variant is not present in population databases (gnomAD no frequency). This sequence change creates a premature translational stop signal (p.Glu1365*) in the COL4A4 gene. It is expected to result in an absent or disrupted protein product. Loss-of-function variants in COL4A4 are known to be pathogenic (PMID: 21196518, 24854265, 25307543).

Literature cited by the submitters: PubMed 21196518 (cited by Labcorp Genetics (formerly Invitae), Labcorp); PubMed 24854265 (cited by Labcorp Genetics (formerly Invitae), Labcorp); PubMed 25307543 (cited by Labcorp Genetics (formerly Invitae), Labcorp).

NM_000092.5(COL4A4):c.4093G>T (p.Glu1365Ter)

Gene: COL4A4 (collagen type IV alpha 4 chain; minus strand). Cytogenetic location: 2q36.3.
Variant type: single nucleotide variant.
Coding change: c.4093G>T on transcript NM_000092.5 (MANE Select); coding-DNA position 4093, G replaced by T.
Protein change: p.Glu1365Ter; replaces glutamic acid 1365 with a stop codon.
Molecular consequence: nonsense.
Genome position (GRCh38, 1-based): chr2:227,022,171, C>A on the plus strand (G>T on the coding strand, the complement: COL4A4 is on the minus strand). VCF-style: chr2-227022171-C-A. GRCh37 (hg19) VCF-style: chr2-227886887-C-A.
Other names: short protein forms E1365*.
Identifiers: ClinVar variation 1687154 (VCV001687154.6), dbSNP rs2149854376, ClinGen allele CA350836878.
Genomic context (GRCh38, chr2:227,022,171, plus strand): 5'-GCGCCCCAGGAAGGCCTGGGATTCGGGGACAGTCATCCACATCTGCAGGTGGCCCCGGTT[C>A]ACCTGAAATTGGAATCACCGCTTGTGTAATGGATGCACGTGCTTATGAACAAGCTCCTTC-3'